The following is an entry in ClinVar:

ClinVar aggregate classification (germline): Uncertain significance (1 of 4 stars; one submission).

Conditions:
Cardiovascular phenotype. Identifiers: MedGen CN230736.

gnomAD v4.1: 3 of 1,614,020 alleles (0.00019%); highest among the groups gnomAD compares: South Asian, 0.0033%; no homozygotes.

Submission:

Ambry Genetics
Classification: Uncertain significance for Cardiovascular phenotype. Last evaluated: 2026-07-28. Review status: criteria provided, single submitter. Criteria: Ambry Variant Classification Scheme 2023. Collection method: clinical testing. Allele origin: germline.
Comment: The p.I1458V variant (also known as c.4372A>G), located in coding exon 25 of the SCN10A gene, results from an A to G substitution at nucleotide position 4372. The isoleucine at codon 1458 is replaced by valine, an amino acid with highly similar properties. This amino acid position is conserved. In addition, the in silico prediction for this alteration is inconclusive. Based on the available evidence, the clinical significance of this variant remains unclear.

NM_006514.4(SCN10A):c.4372A>G (p.Ile1458Val)

Gene: SCN10A (sodium voltage-gated channel alpha subunit 10; minus strand). Cytogenetic location: 3p22.2.
Variant type: single nucleotide variant.
Coding change: c.4372A>G on transcript NM_006514.4 (MANE Select); coding-DNA position 4372, A replaced by G.
Protein change: p.Ile1458Val; replaces isoleucine 1458 with valine.
Molecular consequence: missense variant.
Genome position (GRCh38, 1-based): chr3:38,707,293, T>C on the plus strand (A>G on the coding strand, the complement: SCN10A is on the minus strand). VCF-style: chr3-38707293-T-C. GRCh37 (hg19) VCF-style: chr3-38748784-T-C.
Other names: c.4369A>G, p.Ile1457Val (NM_001293306.2); c.4078A>G, p.Ile1360Val (NM_001293307.2); short protein forms I1457V, I1360V, I1458V.
Identifiers: ClinVar variation 5029069 (VCV005029069.1).